The following is an entry in ClinVar:

NM_015102.5(NPHP4):c.2812G>C (p.Val938Leu)

Gene: NPHP4 (nephrocystin 4; minus strand). Cytogenetic location: 1p36.31.
Variant type: single nucleotide variant.
Coding change: c.2812G>C on transcript NM_015102.5 (MANE Select); coding-DNA position 2812, G replaced by C.
Protein change: p.Val938Leu; replaces valine 938 with leucine.
Molecular consequence: missense variant. On other transcripts: non-coding transcript variant (1).
Genome position (GRCh38, 1-based): chr1:5,877,098, C>G on the plus strand (G>C on the coding strand, the complement: NPHP4 is on the minus strand). VCF-style: chr1-5877098-C-G. GRCh37 (hg19) VCF-style: chr1-5937158-C-G.
Other names: c.1273G>C, p.Val425Leu (NM_001291593.2); c.1276G>C, p.Val426Leu (NM_001291594.2); short protein forms V425L, V426L, V938L.
Identifiers: ClinVar variation 971619 (VCV000971619.11), dbSNP rs184961418, ClinGen allele CA17137819.
Genomic context (GRCh38, chr1:5,877,098, plus strand): 5'-AGTGACTCAGTCTGCATGGAGATCCCAGGACAGTGACAGCTGAACAAACCCTTACCAACA[C>G]GCTCGTCCCGCGCCGGCCCAAGTCTCCCCCGGCCTCCTGCAGGCGCACAGACCTCATCCG-3'
Protein context (NP_055917.1, residues 928-948): GGDLGRRGTS[Val938Leu]LAQQSVRTQH

ClinVar aggregate classification (germline): Uncertain significance. Review status: criteria provided, multiple submitters, no conflicts (2 of 4 stars). 2 submissions from 2 submitters: Uncertain significance (2). Last evaluated 2022-10-04.

Conditions:
Nephronophthisis. Also called: Juvenile Nephronophthisis. Identifiers: Orphanet 655, MedGen C0687120, MONDO:0019005, HP:0000090.
Nephronophthisis 4 (NPHP4). Also called: NEPHRONOPHTHISIS 4, JUVENILE. Identifiers: Orphanet 655, MedGen C1847013, MONDO:0011752, OMIM 606966.
Senior-Loken syndrome 4 (SLSN4). Identifiers: Orphanet 3156, MedGen C1846979, MONDO:0011756, OMIM 606996.

gnomAD v4.1: 15 of 1,563,442 alleles (0.00096%); highest among the groups gnomAD compares: Non-Finnish European, 0.0013%; no homozygotes.

Submissions (2):

Labcorp Genetics (formerly Invitae), Labcorp
Classification: Uncertain significance for Nephronophthisis. Last evaluated: 2022-10-04. Review status: criteria provided, single submitter. Criteria: Invitae Variant Classification Sherloc (09022015). Collection method: clinical testing. Allele origin: germline.
Comment: This sequence change replaces valine, which is neutral and non-polar, with leucine, which is neutral and non-polar, at codon 938 of the NPHP4 protein (p.Val938Leu). In summary, the available evidence is currently insufficient to determine the role of this variant in disease. Therefore, it has been classified as a Variant of Uncertain Significance. Advanced modeling of protein sequence and biophysical properties (such as structural, functional, and spatial information, amino acid conservation, physicochemical variation, residue mobility, and thermodynamic stability) performed at Invitae indicates that this missense variant is not expected to disrupt NPHP4 protein function. ClinVar contains an entry for this variant (Variation ID: 971619). This variant has not been reported in the literature in individuals affected with NPHP4-related conditions. This variant is not present in population databases (gnomAD no frequency).

Fulgent Genetics
Classification: Uncertain significance for Nephronophthisis 4; Senior-Loken syndrome 4. Last evaluated: 2022-01-27. Review status: criteria provided, single submitter. Criteria: ACMG Guidelines, 2015. Collection method: clinical testing. Allele origin: unknown.